The following is an entry in ClinVar:

ClinVar aggregate classification (germline): Conflicting classifications of pathogenicity. Review status: criteria provided, conflicting classifications (1 of 4 stars). 4 submissions from 4 submitters: Uncertain significance (1); Likely benign (3). Last evaluated 2024-02-26.

Conditions:
Microcephaly 2, primary, autosomal recessive, with or without cortical malformations. Also called: WDR62 Primary Microcephaly; MICROCEPHALY 2, PRIMARY, AUTOSOMAL RECESSIVE, WITH CORTICAL MALFORMATIONS. Identifiers: Orphanet 2512, MedGen C1858535, MONDO:0011435, OMIM 604317.

Allele frequency attached by ClinVar (database versions not stated): gnomAD 0.00003 and 0.00005; gnomAD exomes 0.00006 and 0.00010; TOPMed 0.00006; ExAC 0.00007.
gnomAD v4.1: 99 of 1,614,082 alleles (0.0061%); highest among the groups gnomAD compares: East Asian, 0.12%; no homozygotes.

Submissions (4):

Labcorp Genetics (formerly Invitae), Labcorp
Classification: Likely benign. Last evaluated: 2024-02-26. Review status: criteria provided, single submitter. Criteria: Invitae Variant Classification Sherloc (09022015). Collection method: clinical testing. Allele origin: germline.

CeGaT Center for Human Genetics Tuebingen
Classification: Likely benign. Last evaluated: 2022-11-01. Review status: criteria provided, single submitter. Criteria: CeGaT Center For Human Genetics Tuebingen Variant Classification Criteria Version 2. Collection method: clinical testing. Allele origin: germline. Affected: yes. Observed: 1 variant allele.
Comment: WDR62: BP4, BP7

Illumina Laboratory Services, Illumina
Classification: Uncertain significance for Microcephaly 2, primary, autosomal recessive, with or without cortical malformations. Last evaluated: 2018-01-13. Review status: criteria provided, single submitter. Criteria: ICSL Variant Classification Criteria 13 December 2019. Collection method: clinical testing. Allele origin: germline.

GeneDx
Classification: Likely benign. Last evaluated: 2016-07-07. Review status: criteria provided, single submitter. Criteria: GeneDx Variant Classification (06012015). Collection method: clinical testing. Allele origin: germline. Affected: yes.
Comment: This variant is considered likely benign or benign based on one or more of the following criteria: it is a conservative change, it occurs at a poorly conserved position in the protein, it is predicted to be benign by multiple in silico algorithms, and/or has population frequency not consistent with disease.

NM_001083961.2(WDR62):c.4296C>T (p.Leu1432=)

Gene: WDR62 (WD repeat domain 62; plus strand). Cytogenetic location: 19q13.12.
Variant type: single nucleotide variant.
Coding change: c.4296C>T on transcript NM_001083961.2 (MANE Select); coding-DNA position 4296, C replaced by T.
Protein change: p.Leu1432=; no amino-acid change (leucine 1432 retained).
Molecular consequence: synonymous variant.
Genome position (GRCh38, 1-based): chr19:36,104,660, C>T. VCF-style: chr19-36104660-C-T. GRCh37 (hg19) VCF-style: chr19-36595562-C-T.
Other names: c.4281C>T, p.Leu1427= (NM_173636.5).
Identifiers: ClinVar variation 328932 (VCV000328932.36), dbSNP rs765001215, ClinGen allele CA9396518.
Genomic context (GRCh38, chr19:36,104,660, plus strand): 5'-TGAGCTGAGCAGGGTGGGGAACATCTTGCACAGGCTGCAGACCACCTTCCAAGAAGCCCT[C>T]GACCTTTACCGTGTGGTGAGCTAAGCCCCAGAGTTGGGAAAGGGTTGAGGGGTCTCTTGA-3'
Protein context (NP_001077430.1, residues 1422-1442): HRLQTTFQEA[Leu1432=]DLYRVLVSSG